The following is an entry in ClinVar:

ClinVar aggregate classification (germline): Uncertain significance (1 of 4 stars; one submission).

Allele frequency attached by ClinVar (database versions not stated): gnomAD exomes 0.00004; ExAC 0.00007; ESP Exome Variant Server 0.00009; 1000 Genomes Project 30x 0.00016; 1000 Genomes Project 0.00020.
gnomAD v4.1: 62 of 1,604,374 alleles (0.0039%); highest among the groups gnomAD compares: East Asian, 0.025%; no homozygotes.

Submission:

Labcorp Genetics (formerly Invitae), Labcorp
Classification: Uncertain significance. Last evaluated: 2022-08-29. Review status: criteria provided, single submitter. Criteria: Invitae Variant Classification Sherloc (09022015). Collection method: clinical testing. Allele origin: germline.
Comment: This sequence change replaces alanine, which is neutral and non-polar, with threonine, which is neutral and polar, at codon 507 of the EXOC6B protein (p.Ala507Thr). This variant is present in population databases (rs148711200, gnomAD 0.03%). This variant has not been reported in the literature in individuals affected with EXOC6B-related conditions. Experimental studies and prediction algorithms are not available or were not evaluated, and the functional significance of this variant is currently unknown. In summary, the available evidence is currently insufficient to determine the role of this variant in disease. Therefore, it has been classified as a Variant of Uncertain Significance.

NM_015189.3(EXOC6B):c.1519G>A (p.Ala507Thr)

Gene: EXOC6B (exocyst complex component 6B; minus strand). Cytogenetic location: 2p13.2.
Variant type: single nucleotide variant.
Coding change: c.1519G>A on transcript NM_015189.3 (MANE Select); coding-DNA position 1519, G replaced by A.
Protein change: p.Ala507Thr; replaces alanine 507 with threonine.
Molecular consequence: missense variant. On other transcripts: non-coding transcript variant (2).
Genome position (GRCh38, 1-based): chr2:72,495,464, C>T on the plus strand (G>A on the coding strand, the complement: EXOC6B is on the minus strand). VCF-style: chr2-72495464-C-T. GRCh37 (hg19) VCF-style: chr2-72722593-C-T.
Other names: c.1519G>A, p.Ala507Thr (NM_001321729.2, NM_001321730.2, NM_001321731.2 and 1 more transcripts); c.1180G>A, p.Ala394Thr (NM_001321734.2); short protein forms A394T, A507T.
Identifiers: ClinVar variation 1904475 (VCV001904475.2), dbSNP rs148711200, ClinGen allele CA1708435.